The following is an entry in ClinVar:

NM_000660.7(TGFB1):c.29_37dup (p.Pro10_Leu12dup)

Gene: TGFB1 (transforming growth factor beta 1; minus strand). Cytogenetic location: 19q13.2.
Variant type: Duplication.
Coding change: c.29_37dup on transcript NM_000660.7 (MANE Select); coding-DNA positions 29 to 37, 9 bases duplicated (CGCTGCTGC; older notation c.29_37dupCGCTGCTGC).
Protein change: p.Pro10_Leu12dup.
Molecular consequence: inframe insertion.
Genome position (GRCh38, 1-based): chr19:41,353,008-41,353,016, GCAGCAGCG duplicated on the plus strand (CGCTGCTGC on the coding strand, the reverse complement: TGFB1 is on the minus strand); duplicating any 9 consecutive bases within chr19:41,353,008-41,353,024 gives the same sequence; the c. name uses the placement nearest the transcript's 3' end. VCF-style (leftmost placement, unchanged base first): chr19-41353007-A-AGCAGCAGCG. GRCh37 (hg19) VCF-style: chr19-41858912-A-AGCAGCAGCG.
Identifiers: ClinVar variation 1393985 (VCV001393985.8), dbSNP rs1286308480, ClinGen allele CA995964031.

ClinVar aggregate classification (germline): Uncertain significance (1 of 4 stars; one submission).

Submission:

Labcorp Genetics (formerly Invitae), Labcorp
Classification: Uncertain significance. Last evaluated: 2025-03-05. Review status: criteria provided, single submitter. Criteria: Invitae Variant Classification Sherloc (09022015). Collection method: clinical testing. Allele origin: germline.
Comment: This variant, c.29_37dup, results in the insertion of 3 amino acid(s) of the TGFB1 protein (p.Pro10_Leu12dup), but otherwise preserves the integrity of the reading frame. This variant is not present in population databases (gnomAD no frequency). This variant has not been reported in the literature in individuals affected with TGFB1-related conditions. ClinVar contains an entry for this variant (Variation ID: 1393985). Experimental studies and prediction algorithms are not available or were not evaluated, and the functional significance of this variant is currently unknown. In summary, the available evidence is currently insufficient to determine the role of this variant in disease. Therefore, it has been classified as a Variant of Uncertain Significance.